The following is an entry in ClinVar:

ClinVar aggregate classification (germline): Uncertain significance (1 of 4 stars; one submission).

Allele frequency attached by ClinVar (database versions not stated): gnomAD exomes below 0.00001; gnomAD 0.00001; TOPMed 0.00002.

Submission:

Labcorp Genetics (formerly Invitae), Labcorp
Classification: Uncertain significance. Last evaluated: 2022-08-07. Review status: criteria provided, single submitter. Criteria: Invitae Variant Classification Sherloc (09022015). Collection method: clinical testing. Allele origin: germline.
Comment: In summary, the available evidence is currently insufficient to determine the role of this variant in disease. Therefore, it has been classified as a Variant of Uncertain Significance. Algorithms developed to predict the effect of missense changes on protein structure and function are either unavailable or do not agree on the potential impact of this missense change (SIFT: "Deleterious"; PolyPhen-2: "Benign"; Align-GVGD: "Class C0"). This variant has not been reported in the literature in individuals affected with ATOH7-related conditions. This variant is not present in population databases (gnomAD no frequency). This sequence change replaces methionine, which is neutral and non-polar, with threonine, which is neutral and polar, at codon 150 of the ATOH7 protein (p.Met150Thr).

NM_145178.4(ATOH7):c.449T>C (p.Met150Thr)

Gene: ATOH7 (atonal bHLH transcription factor 7; minus strand). Cytogenetic location: 10q21.3.
Variant type: single nucleotide variant.
Coding change: c.449T>C on transcript NM_145178.4 (MANE Select); coding-DNA position 449, T replaced by C.
Protein change: p.Met150Thr; replaces methionine 150 with threonine.
Molecular consequence: missense variant.
Genome position (GRCh38, 1-based): chr10:68,231,229, A>G on the plus strand (T>C on the coding strand, the complement: ATOH7 is on the minus strand). VCF-style: chr10-68231229-A-G. GRCh37 (hg19) VCF-style: chr10-69990986-A-G.
Other names: short protein forms M150T.
Identifiers: ClinVar variation 1932967 (VCV001932967.5), dbSNP rs979283464, ClinGen allele CA208209230.
Genomic context (GRCh38, chr10:68,231,229, plus strand): 5'-CCGAGGCTCGGAGCGGCTGCCGGACACCCACCCCCGCGGAGGCGCGCGCCCTAGGTGGCC[A>G]TCTGGAAGGGCTCGGGCTGGAAGCCGAAGAGTCTCTGGCTGTACAGCTCGCTCTCGCCCG-3'
Protein context (NP_660161.1, residues 140-152): LFGFQPEPFQ[Met150Thr]AT